The following is an entry in ClinVar:

NM_002087.4(GRN):c.1561T>G (p.Cys521Gly)

Gene: GRN (granulin precursor; plus strand). Cytogenetic location: 17q21.31.
Variant type: single nucleotide variant.
Coding change: c.1561T>G on transcript NM_002087.4 (MANE Select); coding-DNA position 1561, T replaced by G.
Protein change: p.Cys521Gly; replaces cysteine 521 with glycine.
Molecular consequence: missense variant.
Genome position (GRCh38, 1-based): chr17:44,352,488, T>G. VCF-style: chr17-44352488-T-G. GRCh37 (hg19) VCF-style: chr17-42429856-T-G.
Other names: short protein forms C521G.
Identifiers: ClinVar variation 2925036 (VCV002925036.3), dbSNP rs1401188836, ClinGen allele CA399770494.

ClinVar aggregate classification (germline): Uncertain significance (1 of 4 stars; one submission).

Conditions:
GRN-related frontotemporal lobar degeneration with Tdp43 inclusions (FTD2). Also called: GRN Frontotemporal Dementia; FRONTOTEMPORAL DEMENTIA WITH TDP43 INCLUSIONS, GRN-RELATED; DEMENTIA, HEREDITARY DYSPHASIC DISINHIBITION; FRONTOTEMPORAL LOBAR DEGENERATION WITH UBIQUITIN-POSITIVE INCLUSIONS; FTLD-TDP, GRN-RELATED. Identifiers: Orphanet 100070, Orphanet 282, MedGen C1843792, MONDO:0011842, OMIM 607485. Disease mechanism: loss of function.
Neuronal ceroid lipofuscinosis 11. Also called: GRN-Related Neuronal Ceroid-Lipofuscinosis. Identifiers: Orphanet 314629, Orphanet 79262, MedGen C3539123, MONDO:0013866, OMIM 614706.

Submission:

Labcorp Genetics (formerly Invitae), Labcorp
Classification: Uncertain significance for Neuronal ceroid lipofuscinosis 11; GRN-related frontotemporal lobar degeneration with Tdp43 inclusions. Last evaluated: 2022-11-06. Review status: criteria provided, single submitter. Criteria: Invitae Variant Classification Sherloc (09022015). Collection method: clinical testing. Allele origin: germline.
Comment: Advanced modeling of protein sequence and biophysical properties (such as structural, functional, and spatial information, amino acid conservation, physicochemical variation, residue mobility, and thermodynamic stability) performed at Invitae indicates that this missense variant is expected to disrupt GRN protein function. In summary, the available evidence is currently insufficient to determine the role of this variant in disease. Therefore, it has been classified as a Variant of Uncertain Significance. This variant has not been reported in the literature in individuals affected with GRN-related conditions. This sequence change replaces cysteine, which is neutral and slightly polar, with glycine, which is neutral and non-polar, at codon 521 of the GRN protein (p.Cys521Gly). This variant is not present in population databases (gnomAD no frequency).